The following is an entry in ClinVar:

ClinVar aggregate classification (germline): Uncertain significance (1 of 4 stars; one submission).

Conditions:
Hajdu-Cheney syndrome (HJCYS). Also called: Acroosteolysis dominant type; ACROOSTEOLYSIS WITH OSTEOPOROSIS AND CHANGES IN SKULL AND MANDIBLE; SERPENTINE FIBULA-POLYCYSTIC KIDNEY SYNDROME. Identifiers: Orphanet 955, MedGen C0917715, MONDO:0007057, OMIM 102500.

Allele frequency attached by ClinVar (database versions not stated): ExAC 0.00001.
gnomAD v4.1: 2 of 1,613,830 alleles (0.00012%); highest among the groups gnomAD compares: Admixed American, 0.0033%; no homozygotes.

Submission:

Labcorp Genetics (formerly Invitae), Labcorp
Classification: Uncertain significance for Hajdu-Cheney syndrome. Last evaluated: 2023-04-20. Review status: criteria provided, single submitter. Criteria: Invitae Variant Classification Sherloc (09022015). Collection method: clinical testing. Allele origin: germline.
Comment: In summary, the available evidence is currently insufficient to determine the role of this variant in disease. Therefore, it has been classified as a Variant of Uncertain Significance. Advanced modeling of protein sequence and biophysical properties (such as structural, functional, and spatial information, amino acid conservation, physicochemical variation, residue mobility, and thermodynamic stability) performed at Invitae indicates that this missense variant is not expected to disrupt NOTCH2 protein function. This variant has not been reported in the literature in individuals affected with NOTCH2-related conditions. This variant is present in population databases (rs745948430, gnomAD 0.006%). This sequence change replaces serine, which is neutral and polar, with isoleucine, which is neutral and non-polar, at codon 2237 of the NOTCH2 protein (p.Ser2237Ile).

NM_024408.4(NOTCH2):c.6710G>T (p.Ser2237Ile)

Gene: NOTCH2 (notch receptor 2; minus strand). Cytogenetic location: 1p12.
Variant type: single nucleotide variant.
Coding change: c.6710G>T on transcript NM_024408.4 (MANE Select); coding-DNA position 6710, G replaced by T.
Protein change: p.Ser2237Ile; replaces serine 2237 with isoleucine.
Molecular consequence: missense variant.
Genome position (GRCh38, 1-based): chr1:119,916,012, C>A on the plus strand (G>T on the coding strand, the complement: NOTCH2 is on the minus strand). VCF-style: chr1-119916012-C-A. GRCh37 (hg19) VCF-style: chr1-120458635-C-A.
Other names: short protein forms S2237I.
Identifiers: ClinVar variation 2992875 (VCV002992875.3), dbSNP rs745948430, ClinGen allele CA1039386.